The following is an entry in ClinVar:

ClinVar aggregate classification (germline): Uncertain significance (0 of 4 stars; one submission).

Conditions:
ADAMTS17-related disorder. Also called: ADAMTS17-related condition.

gnomAD v4.1: 45 of 1,614,020 alleles (0.0028%); highest among the groups gnomAD compares: East Asian, 0.018%; no homozygotes.

Submission:

PreventionGenetics, part of Exact Sciences
Classification: Uncertain significance for ADAMTS17-related condition. Last evaluated: 2024-07-29. Review status: no assertion criteria provided. Collection method: clinical testing. Allele origin: germline.
Comment: The ADAMTS17 c.1643C>T variant is predicted to result in the amino acid substitution p.Pro548Leu. To our knowledge, this variant has not been reported in the literature. This variant is reported in 0.030% of alleles in individuals of East Asian descent in gnomAD. At this time, the clinical significance of this variant is uncertain due to the absence of conclusive functional and genetic evidence.

NM_139057.4(ADAMTS17):c.1643C>T (p.Pro548Leu)

Gene: ADAMTS17 (ADAM metallopeptidase with thrombospondin type 1 motif 17; minus strand). Cytogenetic location: 15q26.3.
Variant type: single nucleotide variant.
Coding change: c.1643C>T on transcript NM_139057.4 (MANE Select); coding-DNA position 1643, C replaced by T.
Protein change: p.Pro548Leu; replaces proline 548 with leucine.
Molecular consequence: missense variant.
Genome position (GRCh38, 1-based): chr15:100,132,085, G>A on the plus strand (C>T on the coding strand, the complement: ADAMTS17 is on the minus strand). VCF-style: chr15-100132085-G-A. GRCh37 (hg19) VCF-style: chr15-100672290-G-A.
Other names: short protein forms P548L.
Identifiers: ClinVar variation 3358013 (VCV003358013.1).